The following is an entry in ClinVar:

ClinVar aggregate classification (germline): Uncertain significance (1 of 4 stars; one submission).

Conditions:
TTN-related disorder. Also called: TTN-related disorders; TTN-related condition; TTN-related disease.

gnomAD v4.1: 44 of 1,613,522 alleles (0.0027%); highest among the groups gnomAD compares: Non-Finnish European, 0.0036%; no homozygotes.

Submission:

PreventionGenetics, part of Exact Sciences
Classification: Uncertain significance for TTN-related condition. Last evaluated: 2026-04-14. Review status: criteria provided, single submitter. Criteria: ACMG Guidelines, 2015. Collection method: clinical testing. Allele origin: germline.
Comment: The TTN c.15320G>T variant is predicted to result in the amino acid substitution p.Ser5107Ile. To our knowledge, this variant has not been reported in the literature. This variant is reported in 0.0065% of alleles in individuals of African descent in gnomAD. At this time, the clinical significance of this variant is uncertain due to the absence of conclusive functional and genetic evidence.

NM_001267550.2(TTN):c.15320G>T (p.Ser5107Ile)

Gene: TTN (titin; minus strand). Cytogenetic location: 2q31.2.
Variant type: single nucleotide variant.
Coding change: c.15320G>T on transcript NM_001267550.2 (MANE Select); coding-DNA position 15320, G replaced by T.
Protein change: p.Ser5107Ile; replaces serine 5107 with isoleucine.
Molecular consequence: missense variant. On other transcripts: intron variant (3).
Genome position (GRCh38, 1-based): chr2:178,734,504, C>A on the plus strand (G>T on the coding strand, the complement: TTN is on the minus strand). VCF-style: chr2-178734504-C-A. GRCh37 (hg19) VCF-style: chr2-179599231-C-A.
Other names: c.14369G>T, p.Ser4790Ile (NM_001256850.1); c.11588G>T, p.Ser3863Ile (NM_133378.4); c.13282+3578G>T (NM_003319.4); c.13858+3578G>T (NM_133437.4); c.13657+3578G>T (NM_133432.3); short protein forms S4790I, S3863I, S5107I.
Identifiers: ClinVar variation 4999461 (VCV004999461.1).